The following is an entry in ClinVar:

ClinVar aggregate classification (germline): Likely benign (1 of 4 stars; one submission).

Submission:

CeGaT Center for Human Genetics Tuebingen
Classification: Likely benign. Last evaluated: 2023-04-01. Review status: criteria provided, single submitter. Criteria: CeGaT Center For Human Genetics Tuebingen Variant Classification Criteria Version 2. Collection method: clinical testing. Allele origin: germline. Affected: yes. Observed: 1 variant allele.
Comment: HYDIN: PM2:Supporting, BP4, BP7

NM_001270974.2(HYDIN):c.2268C>A (p.Ile756=)

Gene: HYDIN (HYDIN axonemal central pair apparatus protein; minus strand). Cytogenetic location: 16q22.2.
Variant type: single nucleotide variant.
Coding change: c.2268C>A on transcript NM_001270974.2 (MANE Select); coding-DNA position 2268, C replaced by A.
Protein change: p.Ile756=; no amino-acid change (isoleucine 756 retained).
Molecular consequence: synonymous variant.
Genome position (GRCh38, 1-based): chr16:71,062,277, G>T on the plus strand (C>A on the coding strand, the complement: HYDIN is on the minus strand). VCF-style: chr16-71062277-G-T. GRCh37 (hg19) VCF-style: chr16-71096180-G-T.
Other names: c.2349C>A, p.Ile783= (NM_001198542.1); c.2319C>A, p.Ile773= (NM_001198543.1); c.2268C>A, p.Ile756= (NM_017558.5).
Identifiers: ClinVar variation 2646788 (VCV002646788.24), dbSNP rs2507350218, ClinGen allele CA496255930.
Genomic context (GRCh38, chr16:71,062,277, plus strand): 5'-GTGTTCTCCAGTGACCTGGGTCTCCAGGACCAGTGGTATGTGGATGGTGCTGCTTGGGGA[G>T]ATGACCCCGCTGGGGGTGGGGCTGGAAAACAGCACAGTAGGCACCTCCTCACACACCTGG-3'
Protein context (NP_001257903.1, residues 746-766): LFSSPTPSGV[Ile756=]SPSSTIHIPL